The following is an entry in ClinVar:

NM_001077653.2(TBX20):c.1001G>A (p.Arg334Gln)

Gene: TBX20 (T-box transcription factor 20; minus strand). Cytogenetic location: 7p14.2.
Variant type: single nucleotide variant.
Coding change: c.1001G>A on transcript NM_001077653.2 (MANE Select); coding-DNA position 1001, G replaced by A.
Protein change: p.Arg334Gln; replaces arginine 334 with glutamine.
Molecular consequence: missense variant.
Genome position (GRCh38, 1-based): chr7:35,204,472, C>T on the plus strand (G>A on the coding strand, the complement: TBX20 is on the minus strand). VCF-style: chr7-35204472-C-T. GRCh37 (hg19) VCF-style: chr7-35244084-C-T.
Other names: short protein forms R334Q.
Identifiers: ClinVar variation 1485208 (VCV001485208.12), dbSNP rs767429245, ClinGen allele CA4217376.

ClinVar aggregate classification (germline): Conflicting classifications of pathogenicity. Review status: criteria provided, conflicting classifications (1 of 4 stars). 4 submissions from 4 submitters: Uncertain significance (3); Likely benign (1). Last evaluated 2026-01-31.

Conditions:
Cardiovascular phenotype. Identifiers: MedGen CN230736.
TBX20-related disorder. Also called: TBX20-related condition.

Allele frequency attached by ClinVar (database versions not stated): TOPMed 0.00005; ExAC 0.00006; gnomAD 0.00008 and 0.00009; gnomAD exomes 0.00009.
gnomAD v4.1: 60 of 1,610,948 alleles (0.0037%); highest among the groups gnomAD compares: Admixed American, 0.033%; no homozygotes.

Submissions (4):

Labcorp Genetics (formerly Invitae), Labcorp
Classification: Uncertain significance. Last evaluated: 2026-01-31. Review status: criteria provided, single submitter. Criteria: Invitae Variant Classification Sherloc (09022015). Collection method: clinical testing. Allele origin: germline.
Comment: This sequence change replaces arginine, which is basic and polar, with glutamine, which is neutral and polar, at codon 334 of the TBX20 protein (p.Arg334Gln). This variant is present in population databases (rs767429245, gnomAD 0.04%), and has an allele count higher than expected for a pathogenic variant. This missense change has been observed in individual(s) with dilated cardiomyopathy (PMID: 19074289, 35928749). ClinVar contains an entry for this variant (Variation ID: 1485208). An algorithm developed to predict the effect of missense changes on protein structure and function (PolyPhen-2) suggests that this variant is likely to be tolerated. In summary, the available evidence is currently insufficient to determine the role of this variant in disease. Therefore, it has been classified as a Variant of Uncertain Significance.

PreventionGenetics, part of Exact Sciences
Classification: Uncertain significance for TBX20-related condition. Last evaluated: 2025-09-30. Review status: criteria provided, single submitter. Criteria: ACMG Guidelines, 2015. Collection method: clinical testing. Allele origin: germline.
Comment: The TBX20 c.1001G>A variant is predicted to result in the amino acid substitution p.Arg334Gln. This variant was reported in affected and unaffected individuals from a family with congenital heart disease (Qian et al. 2008. PubMed ID: 19074289). This variant is reported in 0.045% of alleles in individuals of Latino descent in gnomAD. At this time, the clinical significance of this variant is uncertain due to the absence of conclusive functional and genetic evidence.

Ambry Genetics
Classification: Uncertain significance for Cardiovascular phenotype. Last evaluated: 2022-11-04. Review status: criteria provided, single submitter. Criteria: Ambry Variant Classification Scheme 2023. Collection method: clinical testing. Allele origin: germline.
Comment: The p.R334Q variant (also known as c.1001G>A), located in coding exon 7 of the TBX20 gene, results from a G to A substitution at nucleotide position 1001. The arginine at codon 334 is replaced by glutamine, an amino acid with highly similar properties. This variant has been detected in a congenital left sided heart lesion cohort and in a cryptogenic stroke cohort (Li AH et al. Genome Med. 2017 10;9(1):95; Yuan WZ et al. Ann Transl Med. 2022 May;10(9):512). This variant was also reported in a proband with dilated cardiomyopathy and one affected relative, as well as in unaffected relatives (Qian L et al. Proc. Natl. Acad. Sci. U.S.A., 2008 Dec;105:19833-8). This amino acid position is highly conserved in available vertebrate species. In addition, the in silico prediction for this alteration is inconclusive. Since supporting evidence is limited at this time, the clinical significance of this alteration remains unclear.

GeneDx
Classification: Likely benign. Last evaluated: 2019-01-31. Review status: criteria provided, single submitter. Criteria: GeneDx Variant Classification Process June 2021. Collection method: clinical testing. Allele origin: germline. Affected: yes.
Comment: See Variant Classification Assertion Criteria.

Literature cited by the submitters: PubMed 19074289 (cited by Labcorp Genetics (formerly Invitae), Labcorp and Ambry Genetics); PubMed 35928749 (cited by Labcorp Genetics (formerly Invitae), Labcorp and Ambry Genetics); PubMed 29089047 (cited by Ambry Genetics).